The following is an entry in ClinVar:

NM_181523.3(PIK3R1):c.334+4A>G

Gene: PIK3R1 (phosphoinositide-3-kinase regulatory subunit 1; plus strand). Cytogenetic location: 5q13.1.
Variant type: single nucleotide variant.
Coding change: c.334+4A>G on transcript NM_181523.3 (MANE Select); 4 bases into the intron after coding-DNA position 334, A replaced by G.
Molecular consequence: intron variant.
Genome position (GRCh38, 1-based): chr5:68,227,013, A>G. VCF-style: chr5-68227013-A-G. GRCh37 (hg19) VCF-style: chr5-67522841-A-G.
Identifiers: ClinVar variation 1002218 (VCV001002218.7), dbSNP rs1263122579, ClinGen allele CA560222764.

ClinVar aggregate classification (germline): Uncertain significance (1 of 4 stars; one submission).

Conditions:
Immunodeficiency 36 with lymphoproliferation. Also called: ACTIVATED PI3K-DELTA SYNDROME 2; Activated PI3K Delta Syndrome Type 2 (APDS2); Immunodeficiency 36. Identifiers: Orphanet 397596, Orphanet 693681, MedGen C4014934, MONDO:0014453, OMIM 616005.
Agammaglobulinemia 7, autosomal recessive (AGM7). Also called: AGAMMAGLOBULINEMIA, AUTOSOMAL RECESSIVE, DUE TO PIK3R1 DEFECT. Identifiers: MedGen C3554689, MONDO:0014083, OMIM 615214.
SHORT syndrome. Also called: SHORT STATURE, HYPEREXTENSIBILITY, HERNIA, OCULAR DEPRESSION, RIEGER ANOMALY, AND TEETHING DELAY; PIK3R1-Related SHORT Syndrome; LIPODYSTROPHY, PARTIAL, WITH RIEGER ANOMALY AND SHORT STATURE. Identifiers: Orphanet 3163, MedGen C0878684, MONDO:0010026, OMIM 269880.

Allele frequency attached by ClinVar (database versions not stated): TOPMed below 0.00001; gnomAD 0.00001; gnomAD exomes 0.00001 and 0.00002.
gnomAD v4.1: 29 of 1,592,118 alleles (0.0018%); highest among the groups gnomAD compares: Non-Finnish European, 0.0024%; no homozygotes.

Submission:

Labcorp Genetics (formerly Invitae), Labcorp
Classification: Uncertain significance for SHORT syndrome; Immunodeficiency 36 with lymphoproliferation; Agammaglobulinemia 7, autosomal recessive. Last evaluated: 2023-04-06. Review status: criteria provided, single submitter. Criteria: Invitae Variant Classification Sherloc (09022015). Collection method: clinical testing. Allele origin: germline.
Comment: This variant has not been reported in the literature in individuals affected with PIK3R1-related conditions. This variant is present in population databases (no rsID available, gnomAD 0.002%). This sequence change falls in intron 2 of the PIK3R1 gene. It does not directly change the encoded amino acid sequence of the PIK3R1 protein. It affects a nucleotide within the consensus splice site. ClinVar contains an entry for this variant (Variation ID: 1002218). Variants that disrupt the consensus splice site are a relatively common cause of aberrant splicing (PMID: 17576681, 9536098). Algorithms developed to predict the effect of sequence changes on RNA splicing suggest that this variant is not likely to affect RNA splicing. In summary, the available evidence is currently insufficient to determine the role of this variant in disease. Therefore, it has been classified as a Variant of Uncertain Significance.

Literature cited by the submitters: PubMed 17576681; PubMed 9536098.